The following is an entry in ClinVar:

NM_152564.5(VPS13B):c.8405T>C (p.Val2802Ala)

Gene: VPS13B (vacuolar protein sorting 13 homolog B; plus strand). Cytogenetic location: 8q22.2.
Variant type: single nucleotide variant.
Coding change: c.8405T>C on transcript NM_152564.5 (MANE Select); coding-DNA position 8405, T replaced by C.
Protein change: p.Val2802Ala; replaces valine 2802 with alanine.
Molecular consequence: missense variant.
Genome position (GRCh38, 1-based): chr8:99,818,494, T>C. VCF-style: chr8-99818494-T-C. GRCh37 (hg19) VCF-style: chr8-100830722-T-C.
Other names: c.8480T>C, p.Val2827Ala (NM_017890.5); short protein forms V2802A, V2827A.
Identifiers: ClinVar variation 951566 (VCV000951566.8), dbSNP rs1814173866, ClinGen allele CA371773725.

ClinVar aggregate classification (germline): Uncertain significance (1 of 4 stars; one submission).

Conditions:
Cohen syndrome (COH1). Also called: PEPPER SYNDROME; Cutis verticis gyrata, retinitis pigmentosa, and sensorineural deafness. Identifiers: Orphanet 193, MedGen C0265223, MONDO:0008999, OMIM 216550.

Submission:

Labcorp Genetics (formerly Invitae), Labcorp
Classification: Uncertain significance for Cohen syndrome. Last evaluated: 2019-05-06. Review status: criteria provided, single submitter. Criteria: Invitae Variant Classification Sherloc (09022015). Collection method: clinical testing. Allele origin: germline.
Comment: This variant has not been reported in the literature in individuals with VPS13B-related conditions. In summary, the available evidence is currently insufficient to determine the role of this variant in disease. Therefore, it has been classified as a Variant of Uncertain Significance. Algorithms developed to predict the effect of missense changes on protein structure and function are either unavailable or do not agree on the potential impact of this missense change (SIFT: "Deleterious"; PolyPhen-2: "Benign"; Align-GVGD: "Class C0"). This variant is not present in population databases (ExAC no frequency). This sequence change replaces valine with alanine at codon 2827 of the VPS13B protein (p.Val2827Ala). The valine residue is weakly conserved and there is a small physicochemical difference between valine and alanine.